The following is an entry in ClinVar:

ClinVar aggregate classification (germline): Uncertain significance. Review status: criteria provided, single submitter (1 of 4 stars). 2 submissions from 2 submitters: Uncertain significance (1). 1 of the submissions does not count toward it. Last evaluated 2025-05-27.

Conditions:
MKS1-related disorder. Also called: MKS1-related disorders; MKS1-related condition. Identifiers: MedGen CN239382.
Optic atrophy. Identifiers: MedGen C0029124, MONDO:0003608, HP:0000648.

gnomAD v4.1: 6 of 1,613,862 alleles (0.00037%); highest among the groups gnomAD compares: African/African-American, 0.004%; no homozygotes.

Submissions (2):

PreventionGenetics, part of Exact Sciences
Classification: Uncertain significance for MKS1-related condition. Last evaluated: 2025-05-27. Review status: criteria provided, single submitter. Criteria: ACMG Guidelines, 2015. Collection method: clinical testing. Allele origin: germline.
Comment: The MKS1 c.1531A>C variant is predicted to result in the amino acid substitution p.Ser511Arg. To our knowledge, this variant has not been reported in the literature or in a large population database (gnomAD), indicating this variant is rare. At this time, the clinical significance of this variant is uncertain due to the absence of conclusive functional and genetic evidence.

Institute of Human Genetics, Univ. Regensburg, Univ. Regensburg
Classification: Uncertain significance for Optic atrophy. Last evaluated: 2022-01-01. Review status: no assertion criteria provided. Criteria: ACMG Guidelines, 2015. Collection method: clinical testing. Allele origin: germline. Affected: yes. Not counted in ClinVar's aggregate classification.

NM_017777.4(MKS1):c.1531A>C (p.Ser511Arg)

Gene: MKS1 (MKS transition zone complex subunit 1; minus strand). Cytogenetic location: 17q22.
Variant type: single nucleotide variant.
Coding change: c.1531A>C on transcript NM_017777.4 (MANE Select); coding-DNA position 1531, A replaced by C.
Protein change: p.Ser511Arg; replaces serine 511 with arginine.
Molecular consequence: missense variant. On other transcripts: synonymous variant (1).
Genome position (GRCh38, 1-based): chr17:58,206,340, T>G on the plus strand (A>C on the coding strand, the complement: MKS1 is on the minus strand). VCF-style: chr17-58206340-T-G. GRCh37 (hg19) VCF-style: chr17-56283701-T-G.
Other names: c.922A>C, p.Ser308Arg (NM_001321268.2); c.1448A>C, p.Glu483Ala (NM_001321269.2); c.1314A>C, p.Gly438= (NM_001330397.2); short protein forms E483A, S308R, S511R.
Identifiers: ClinVar variation 3250110 (VCV003250110.2).